The following is an entry in ClinVar:

NM_007294.4(BRCA1):c.5271_5272del (p.Asp1757fs)

Gene: BRCA1 (BRCA1 DNA repair associated; minus strand). Cytogenetic location: 17q21.31.
Variant type: Deletion.
Coding change: c.5271_5272del on transcript NM_007294.4 (MANE Select); coding-DNA positions 5271 to 5272, 2 bases deleted (CA; older notation c.5271_5272delCA).
Protein change: p.Asp1757fs; shifts the reading frame from aspartic acid 1757.
Molecular consequence: frameshift variant. On other transcripts: non-coding transcript variant (1).
Genome position (GRCh38, 1-based): chr17:43,057,057-43,057,058, TG deleted on the plus strand (CA on the coding strand, the reverse complement: BRCA1 is on the minus strand); deleting any 2 consecutive bases within chr17:43,057,057-43,057,059 gives the same sequence; the c. name uses the placement nearest the transcript's 3' end. VCF-style (leftmost placement, unchanged base first): chr17-43057056-CTG-C. GRCh37 (hg19) VCF-style: chr17-41209073-CTG-C.
Other names: c.5057_5058delAC, p.Asp1686Glufs (NM_001407571.1, NM_001407894.1, NM_001407895.1 and 12 more transcripts); c.5336_5337delAC, p.Asp1779Glufs (NM_001407581.1, NM_001407582.1); c.5333_5334delAC, p.Asp1778Glufs (NM_001407583.1, NM_001407585.1, NM_001407587.1); c.5330_5331delAC, p.Asp1777Glufs (NM_001407590.1, NM_001407591.1); c.5270_5271delAC, p.Asp1757Glufs (NM_001407593.1, NM_001407594.1, NM_001407596.1 and 7 more transcripts); c.5267_5268delAC, p.Asp1756Glufs (NM_001407610.1, NM_001407611.1, NM_001407612.1 and 17 more transcripts); c.5264_5265delAC, p.Asp1755Glufs (NM_001407627.1, NM_001407628.1, NM_001407629.1 and 14 more transcripts); c.5261_5262delAC, p.Asp1754Glufs (NM_001407644.1, NM_001407645.1); and 75 more; short protein forms D1710fs, D1757fs, D1778fs, D653fs.
Identifiers: ClinVar variation 1315517 (VCV001315517.10), dbSNP rs2153358441, ClinGen allele CA2573054437.

ClinVar aggregate classification (germline): Pathogenic. Review status: criteria provided, multiple submitters, no conflicts (2 of 4 stars). 2 submissions from 2 submitters: Pathogenic (2). Last evaluated 2025-02-02.

Conditions:
Breast-ovarian cancer, familial, susceptibility to, 1 (BROVCA1). Also called: OVARIAN CANCER, SUSCEPTIBILITY TO; BRCA1 Hereditary Breast and Ovarian Cancer. Identifiers: Orphanet 145, MedGen C2676676, MONDO:0011450, OMIM 604370. Disease mechanism: loss of function.
Hereditary breast ovarian cancer syndrome. Also called: Hereditary breast and ovarian cancer; Hereditary breast and/or ovarian cancer syndrome; Breast and ovarian cancer; BRCA1- and BRCA2-Associated Hereditary Breast and Ovarian Cancer; Hereditary breast and ovarian cancer syndrome (HBOC); Hereditary breast and ovarian cancer syndrome. Identifiers: Orphanet 145, MedGen C0677776, MeSH D061325, MONDO:0003582. Disease mechanism: loss of function.

Submissions (2):

Labcorp Genetics (formerly Invitae), Labcorp
Classification: Pathogenic for Hereditary breast ovarian cancer syndrome. Last evaluated: 2025-02-02. Review status: criteria provided, single submitter. Criteria: Invitae Variant Classification Sherloc (09022015). Collection method: clinical testing. Allele origin: germline.
Comment: This sequence change creates a premature translational stop signal (p.Asp1757Glufs*72) in the BRCA1 gene. While this is not anticipated to result in nonsense mediated decay, it is expected to disrupt the last 107 amino acid(s) of the BRCA1 protein. This variant is not present in population databases (gnomAD no frequency). This variant has not been reported in the literature in individuals affected with BRCA1-related conditions. ClinVar contains an entry for this variant (Variation ID: 1315517). This variant disrupts a region of the BRCA1 protein in which other variant(s) (p.Gln1857Argfs*65) have been determined to be pathogenic (PMID: 11573086, 14576433, 15133503, 25652403; internal data). This suggests that this is a clinically significant region of the protein, and that variants that disrupt it are likely to be disease-causing. For these reasons, this variant has been classified as Pathogenic.

Molecular Endocrinology Laboratory, Christian Medical College
Classification: Pathogenic for Breast-ovarian cancer, familial, susceptibility to, 1. Review status: criteria provided, single submitter. Criteria: ACMG Guidelines, 2015. Collection method: clinical testing. Allele origin: germline. Affected: yes.

Literature cited by the submitters: PubMed 11573086 (cited by Labcorp Genetics (formerly Invitae), Labcorp); PubMed 14576433 (cited by Labcorp Genetics (formerly Invitae), Labcorp); PubMed 15133503 (cited by Labcorp Genetics (formerly Invitae), Labcorp); PubMed 25652403 (cited by Labcorp Genetics (formerly Invitae), Labcorp).